The following is an entry in ClinVar:

ClinVar aggregate classification (germline): Pathogenic (1 of 4 stars; one submission).

Submission:

Labcorp Genetics (formerly Invitae), Labcorp
Classification: Pathogenic. Last evaluated: 2025-09-15. Review status: criteria provided, single submitter. Criteria: Invitae Variant Classification Sherloc (09022015). Collection method: clinical testing. Allele origin: germline.
Comment: This sequence change creates a premature translational stop signal (p.Pro1073Leufs*5) in the ALPK3 gene. It is expected to result in an absent or disrupted protein product. Loss-of-function variants in ALPK3 are known to be pathogenic (PMID: 21441111, 26846950, 27106955, 34263907). This variant is not present in population databases (gnomAD no frequency). This variant has not been reported in the literature in individuals affected with ALPK3-related conditions. ClinVar contains an entry for this variant (Variation ID: 1455623). For these reasons, this variant has been classified as Pathogenic.

Literature cited by the submitters: PubMed 21441111; PubMed 26846950; PubMed 27106955; PubMed 34263907.

NM_020778.5(ALPK3):c.2612del (p.Pro871fs)

Gene: ALPK3 (alpha kinase 3; plus strand). Cytogenetic location: 15q25.3.
Variant type: Deletion.
Coding change: c.2612del on transcript NM_020778.5 (MANE Select); coding-DNA position 2612, one base deleted (C; older notation c.2612delC).
Protein change: p.Pro871fs; shifts the reading frame from proline 871.
Molecular consequence: frameshift variant.
Genome position (GRCh38, 1-based): chr15:84,857,350, C deleted; the last of 2 consecutive C bases (chr15:84,857,349-84,857,350); deleting either gives the same sequence. VCF-style (leftmost placement, unchanged base first): chr15-84857348-TC-T. GRCh37 (hg19) VCF-style: chr15-85400579-TC-T.
Other names: short protein forms P871fs.
Identifiers: ClinVar variation 1455623 (VCV001455623.6), dbSNP rs2141568088, ClinGen allele CA2573151298.